The following is an entry in ClinVar:

ClinVar aggregate classification (germline): Likely pathogenic (1 of 4 stars; one submission).

Submission:

GeneDx
Classification: Likely pathogenic. Last evaluated: 2024-11-12. Review status: criteria provided, single submitter. Criteria: GeneDx Variant Classification Process June 2021. Collection method: clinical testing. Allele origin: germline.
Comment: Not observed at significant frequency in large population cohorts (gnomAD); In silico analysis indicates that this missense variant does not alter protein structure/function; Has not been previously published as pathogenic or benign to our knowledge

NM_001347721.2(DYRK1A):c.853C>A (p.Leu285Ile)

Gene: DYRK1A (dual specificity tyrosine phosphorylation regulated kinase 1A; plus strand). Cytogenetic location: 21q22.13.
Variant type: single nucleotide variant.
Coding change: c.853C>A on transcript NM_001347721.2 (MANE Select); coding-DNA position 853, C replaced by A.
Protein change: p.Leu285Ile; replaces leucine 285 with isoleucine.
Molecular consequence: missense variant.
Genome position (GRCh38, 1-based): chr21:37,490,390, C>A. VCF-style: chr21-37490390-C-A. GRCh37 (hg19) VCF-style: chr21-38862692-C-A.
Other names: c.853C>A, p.Leu285Ile (NM_001347722.2, NM_130436.2); c.766C>A, p.Leu256Ile (NM_001347723.2); c.880C>A, p.Leu294Ile (NM_001396.5, NM_101395.2, NM_130438.2); short protein forms L256I, L285I, L294I.
Identifiers: ClinVar variation 1800638 (VCV001800638.2), dbSNP rs2518028512, ClinGen allele CA409947766.
Genomic context (GRCh38, chr21:37,490,390, plus strand): 5'-CTTTTCCTTGCGACTCCAGAACTTAGTATCATTCACTGTGATCTAAAACCTGAAAATATC[C>A]TTCTTTGTAACCCCAAACGCAGTGCAATCAAGATAGTTGACTTTGGCAGTTCTTGTCAGT-3'
Protein context (NP_001334650.1, residues 275-295): IHCDLKPENI[Leu285Ile]LCNPKRSAIK